The following is an entry in ClinVar:

ClinVar aggregate classification (germline): Uncertain significance (1 of 4 stars; one submission).

Conditions:
Congenital myasthenic syndrome 8. Also called: MYASTHENIC SYNDROME, CONGENITAL, DUE TO AGRIN DEFICIENCY; Myasthenic syndrome, congenital, 8, with pre- and postsynaptic defects. Identifiers: Orphanet 590, MedGen C3808739, MONDO:0014052, OMIM 615120.

Allele frequency attached by ClinVar (database versions not stated): ExAC 0.00001; gnomAD 0.00001; gnomAD exomes below 0.00001; TOPMed below 0.00001.
gnomAD v4.1: 1 of 1,611,526 alleles (0.000062%); highest among the groups gnomAD compares: Non-Finnish European, 0.000085%; no homozygotes.

Submission:

Labcorp Genetics (formerly Invitae), Labcorp
Classification: Uncertain significance for Congenital myasthenic syndrome 8. Last evaluated: 2021-06-27. Review status: criteria provided, single submitter. Criteria: Invitae Variant Classification Sherloc (09022015). Collection method: clinical testing. Allele origin: germline.
Comment: In summary, the available evidence is currently insufficient to determine the role of this variant in disease. Therefore, it has been classified as a Variant of Uncertain Significance. This sequence change replaces leucine with valine at codon 786 of the AGRN protein (p.Leu786Val). The leucine residue is highly conserved and there is a small physicochemical difference between leucine and valine. This variant is present in population databases (rs761794267, ExAC 0.002%). This variant has not been reported in the literature in individuals with AGRN-related conditions. Algorithms developed to predict the effect of missense changes on protein structure and function (SIFT, PolyPhen-2, Align-GVGD) all suggest that this variant is likely to be tolerated, but these predictions have not been confirmed by published functional studies and their clinical significance is uncertain.

NM_198576.4(AGRN):c.2356C>G (p.Leu786Val)

Gene: AGRN (agrin; plus strand). Cytogenetic location: 1p36.33.
Variant type: single nucleotide variant.
Coding change: c.2356C>G on transcript NM_198576.4 (MANE Select); coding-DNA position 2356, C replaced by G.
Protein change: p.Leu786Val; replaces leucine 786 with valine.
Molecular consequence: missense variant.
Genome position (GRCh38, 1-based): chr1:1,045,262, C>G. VCF-style: chr1-1045262-C-G. GRCh37 (hg19) VCF-style: chr1-980642-C-G.
Other names: c.2356C>G, p.Leu786Val (NM_001305275.2); c.2041C>G, p.Leu681Val (NM_001364727.2); short protein forms L786V, L681V.
Identifiers: ClinVar variation 1486595 (VCV001486595.8), dbSNP rs761794267, ClinGen allele CA508585.
Genomic context (GRCh38, chr1:1,045,262, plus strand): 5'-TGTGCCCAGACGCCCTACGGCTGCTGCCAGGACAATATCACCGCAGCCCGGGGCGTGGGC[C>G]TGGCTGGCTGCCCCAGTGAGTACCTGAGCTCAGCCCCGACCCCGGGCCTGGTGCGGCTGT-3'
Protein context (NP_940978.2, residues 776-796): DNITAARGVG[Leu786Val]AGCPSACQCN